The following is an entry in ClinVar:

NM_015378.4(VPS13D):c.1464G>A (p.Thr488=)

Gene: VPS13D (vacuolar protein sorting 13 homolog D; plus strand). Cytogenetic location: 1p36.22.
Variant type: single nucleotide variant.
Coding change: c.1464G>A on transcript NM_015378.4 (MANE Select); coding-DNA position 1464, G replaced by A.
Protein change: p.Thr488=; no amino-acid change (threonine 488 retained).
Molecular consequence: synonymous variant.
Genome position (GRCh38, 1-based): chr1:12,261,950, G>A. VCF-style: chr1-12261950-G-A. GRCh37 (hg19) VCF-style: chr1-12322007-G-A.
Other names: c.1464G>A, p.Thr488= (NM_018156.4).
Identifiers: ClinVar variation 1879075 (VCV001879075.34), dbSNP rs372184458, ClinGen allele CA601529.

ClinVar aggregate classification (germline): Likely benign. Review status: criteria provided, multiple submitters, no conflicts (2 of 4 stars). 2 submissions from 2 submitters: Likely benign (2). Last evaluated 2025-05-04.

Allele frequency attached by ClinVar (database versions not stated): ExAC 0.00008; ESP Exome Variant Server 0.00008; gnomAD 0.00010; TOPMed 0.00011.
gnomAD v4.1: 227 of 1,614,020 alleles (0.014%); highest among the groups gnomAD compares: Non-Finnish European, 0.017%; 2 homozygotes.

Submissions (2):

Labcorp Genetics (formerly Invitae), Labcorp
Classification: Likely benign. Last evaluated: 2025-05-04. Review status: criteria provided, single submitter. Criteria: Invitae Variant Classification Sherloc (09022015). Collection method: clinical testing. Allele origin: germline.

CeGaT Center for Human Genetics Tuebingen
Classification: Likely benign. Last evaluated: 2024-11-01. Review status: criteria provided, single submitter. Criteria: CeGaT Center For Human Genetics Tuebingen Variant Classification Criteria Version 2. Collection method: clinical testing. Allele origin: germline. Affected: yes. Observed: 2 variant alleles.
Comment: VPS13D: BP4, BP7